The following is an entry in ClinVar:

GRCh38/hg38 4p16.3(chr4:975137-1026629)x3

Genes: FGFRL1 (fibroblast growth factor receptor like 1; plus strand), IDUA (alpha-L-iduronidase; plus strand), SLC26A1 (solute carrier family 26 member 1; minus strand), LOC129991969 (ATAC-STARR-seq lymphoblastoid active region 21141; plus strand), LOC129991970 (ATAC-STARR-seq lymphoblastoid active region 21142; plus strand) and 4 more. Cytogenetic location: 4p16.3.
Variant type: copy number gain.
Change: copy number 3 (three copies instead of two) of chr4:975,137-1,026,629 (51.5 kb, GRCh38 coordinates, 1-based), cytogenetic band 4p16.3.
Identifiers: ClinVar variation 145228 (VCV000145228.1).

ClinVar aggregate classification (germline): Benign/Likely benign (0 of 4 stars; one submission).

Submission:

GeneDx
Classification: Benign/Likely benign. Last evaluated: 2010-11-30. Review status: no assertion criteria provided. Collection method: clinical testing. Allele origin: not provided. Affected: yes. Observed: 4 variant alleles. Clinical features observed: Autism (HP:0000717), Developmental delay AND/OR other significant developmental or morphological phenotypes.
Comment: Likely benign (2), Benign (2)